The following is an entry in ClinVar:

ClinVar aggregate classification (germline): Uncertain significance (1 of 4 stars; one submission).

Conditions:
Autosomal recessive severe congenital neutropenia due to JAGN1 deficiency. Also called: Severe congenital neutropenia 6, autosomal recessive. Identifiers: Orphanet 423384, MedGen C4014954, MONDO:0014456, OMIM 616022.

Allele frequency attached by ClinVar (database versions not stated): gnomAD 0.00001.
gnomAD v4.1: 4 of 1,610,254 alleles (0.00025%); highest among the groups gnomAD compares: South Asian, 0.0033%; no homozygotes.

Submission:

Labcorp Genetics (formerly Invitae), Labcorp
Classification: Uncertain significance for Autosomal recessive severe congenital neutropenia due to JAGN1 deficiency. Last evaluated: 2023-11-07. Review status: criteria provided, single submitter. Criteria: Invitae Variant Classification Sherloc (09022015). Collection method: clinical testing. Allele origin: germline.
Comment: This sequence change replaces phenylalanine, which is neutral and non-polar, with leucine, which is neutral and non-polar, at codon 17 of the JAGN1 protein (p.Phe17Leu). This variant is not present in population databases (gnomAD no frequency). This variant has not been reported in the literature in individuals affected with JAGN1-related conditions. An algorithm developed to predict the effect of missense changes on protein structure and function (PolyPhen-2) suggests that this variant is likely to be tolerated. In summary, the available evidence is currently insufficient to determine the role of this variant in disease. Therefore, it has been classified as a Variant of Uncertain Significance.

NM_032492.4(JAGN1):c.51T>G (p.Phe17Leu)

Gene: JAGN1 (jagunal vesicle mediated transporter 1; plus strand). Cytogenetic location: 3p25.3.
Variant type: single nucleotide variant.
Coding change: c.51T>G on transcript NM_032492.4 (MANE Select); coding-DNA position 51, T replaced by G.
Protein change: p.Phe17Leu; replaces phenylalanine 17 with leucine.
Molecular consequence: missense variant. On other transcripts: 5 prime UTR variant (1).
Genome position (GRCh38, 1-based): chr3:9,890,773, T>G. VCF-style: chr3-9890773-T-G. GRCh37 (hg19) VCF-style: chr3-9932457-T-G.
Other names: c.-218T>G (NM_001363890.1); short protein forms F17L.
Identifiers: ClinVar variation 2996889 (VCV002996889.3), dbSNP rs2082556888, ClinGen allele CA351711974.